The following is an entry in ClinVar:

ClinVar aggregate classification (germline): Uncertain significance (1 of 4 stars; one submission).

Conditions:
ATP11A-related disorder. Also called: ATP11A-related condition.

gnomAD v4.1: 6 of 1,614,076 alleles (0.00037%); highest among the groups gnomAD compares: African/African-American, 0.0067%; no homozygotes.

Submission:

PreventionGenetics, part of Exact Sciences
Classification: Uncertain significance for ATP11A-related condition. Last evaluated: 2026-09-10. Review status: criteria provided, single submitter. Criteria: ACMG Guidelines, 2015. Collection method: clinical testing. Allele origin: germline.
Comment: The ATP11A c.1315C>G variant is predicted to result in the amino acid substitution p.His439Asp. To our knowledge, this variant has not been reported in the literature. This variant is reported in 0.0080% of alleles in individuals of African descent in gnomAD. At this time, the clinical significance of this variant is uncertain due to the absence of conclusive functional and genetic evidence.

NM_015205.3(ATP11A):c.1315C>G (p.His439Asp)

Gene: ATP11A (ATPase phospholipid transporting 11A; plus strand). Cytogenetic location: 13q34.
Variant type: single nucleotide variant.
Coding change: c.1315C>G on transcript NM_015205.3 (MANE Select); coding-DNA position 1315, C replaced by G.
Protein change: p.His439Asp; replaces histidine 439 with aspartic acid.
Molecular consequence: missense variant.
Genome position (GRCh38, 1-based): chr13:112,831,468, C>G. VCF-style: chr13-112831468-C-G. GRCh37 (hg19) VCF-style: chr13-113485782-C-G.
Other names: c.1315C>G, p.His439Asp (NM_001405661.1, NM_001405662.1, NM_001405663.1 and 1 more transcripts); short protein forms H439D.
Identifiers: ClinVar variation 4983414 (VCV004983414.1).